The following is an entry in ClinVar:

NM_001394998.1(TANC2):c.1951G>C (p.Val651Leu)

Gene: TANC2 (tetratricopeptide repeat, ankyrin repeat and coiled-coil containing 2; plus strand). Cytogenetic location: 17q23.3.
Variant type: single nucleotide variant.
Coding change: c.1951G>C on transcript NM_001394998.1 (MANE Select); coding-DNA position 1951, G replaced by C.
Protein change: p.Val651Leu; replaces valine 651 with leucine.
Molecular consequence: missense variant.
Genome position (GRCh38, 1-based): chr17:63,351,393, G>C. VCF-style: chr17-63351393-G-C. GRCh37 (hg19) VCF-style: chr17-61428754-G-C.
Other names: c.1729G>C, p.Val577Leu (NM_001411076.1, NM_025185.4); short protein forms V577L, V651L.
Identifiers: ClinVar variation 4983268 (VCV004983268.1).

ClinVar aggregate classification (germline): Uncertain significance (1 of 4 stars; one submission).

Conditions:
TANC2-related disorder. Also called: TANC2-related condition.

Submission:

PreventionGenetics, part of Exact Sciences
Classification: Uncertain significance for TANC2-related condition. Last evaluated: 2025-11-03. Review status: criteria provided, single submitter. Criteria: ACMG Guidelines, 2015. Collection method: clinical testing. Allele origin: germline.
Comment: The TANC2 c.1729G>C variant is predicted to result in the amino acid substitution p.Val577Leu. To our knowledge, this variant has not been reported in the literature or in a large population database (gnomAD), indicating this variant is rare. At this time, the clinical significance of this variant is uncertain due to the absence of conclusive functional and genetic evidence.